The following is an entry in ClinVar:

NM_003628.6(PKP4):c.3175C>T (p.Arg1059Cys)

Genes: PKP4 (plakophilin 4; plus strand), PKP4-AS1 (PKP4 antisense RNA 1; minus strand). Cytogenetic location: 2q24.1.
Variant type: single nucleotide variant.
Coding change: c.3175C>T on transcript NM_003628.6 (MANE Select); coding-DNA position 3175, C replaced by T.
Protein change: p.Arg1059Cys; replaces arginine 1059 with cysteine.
Molecular consequence: missense variant. On other transcripts: intron variant (3).
Genome position (GRCh38, 1-based): chr2:158,676,786, C>T. VCF-style: chr2-158676786-C-T. GRCh37 (hg19) VCF-style: chr2-159533298-C-T.
Other names: c.3172C>T, p.Arg1058Cys (NM_001304969.3, NM_001377219.1, NM_001377220.1 and 1 more transcripts); c.2146C>T, p.Arg716Cys (NM_001304970.3); c.3175C>T, p.Arg1059Cys (NM_001377218.1); c.3169C>T, p.Arg1057Cys (NM_001377222.1, NM_001377223.1); c.3166C>T, p.Arg1056Cys (NM_001377224.1); c.3128-1795C>T (NM_001005476.4, NM_001377225.1); c.3125-1795C>T (NM_001377226.1); short protein forms R1058C, R716C, R1056C, R1057C, R1059C.
Identifiers: ClinVar variation 3889678 (VCV003889678.1).

ClinVar aggregate classification (germline): Uncertain significance (1 of 4 stars; one submission).

gnomAD v4.1: 13 of 1,613,642 alleles (0.00081%); highest among the groups gnomAD compares: South Asian, 0.0044%; no homozygotes.

Submission:

Ambry Genetics
Classification: Uncertain significance. Last evaluated: 2025-02-27. Review status: criteria provided, single submitter. Criteria: Ambry Variant Classification Scheme 2023. Collection method: clinical testing. Allele origin: germline.
Comment: The p.R1059C variant (also known as c.3175C>T), located in coding exon 19 of the PKP4 gene, results from a C to T substitution at nucleotide position 3175. The arginine at codon 1059 is replaced by cysteine, an amino acid with highly dissimilar properties. This amino acid position is conserved. In addition, the in silico prediction for this alteration is inconclusive. Based on the available evidence, the clinical significance of this variant remains unclear.